The following is an entry in ClinVar:

NM_000321.3(RB1):c.1924T>G (p.Leu642Val)

Gene: RB1 (RB transcriptional corepressor 1; plus strand). Cytogenetic location: 13q14.2.
Variant type: single nucleotide variant.
Coding change: c.1924T>G on transcript NM_000321.3 (MANE Select); coding-DNA position 1924, T replaced by G.
Protein change: p.Leu642Val; replaces leucine 642 with valine.
Molecular consequence: missense variant.
Genome position (GRCh38, 1-based): chr13:48,456,313, T>G. VCF-style: chr13-48456313-T-G. GRCh37 (hg19) VCF-style: chr13-49030449-T-G.
Other names: short protein forms L642V.
Identifiers: ClinVar variation 847975 (VCV000847975.11), dbSNP rs1949359922, ClinGen allele CA388166159.

ClinVar aggregate classification (germline): Conflicting classifications of pathogenicity. Review status: criteria provided, conflicting classifications (1 of 4 stars). 2 submissions from 2 submitters: Uncertain significance (1); Likely benign (1). Last evaluated 2026-05-18.

Conditions:
Hereditary cancer-predisposing syndrome. Also called: Tumor predisposition; Neoplastic Syndromes, Hereditary; Hereditary neoplastic syndrome; Hereditary Cancer Syndrome. Identifiers: Orphanet 140162, MedGen C0027672, MeSH D009386, MONDO:0015356.
Retinoblastoma (RB1). Also called: RETINOBLASTOMA, SOMATIC. Identifiers: Orphanet 790, MedGen C0035335, MeSH D012175, MONDO:0008380, OMIM 180200, HP:0009919. Disease mechanism: loss of function. Inheritance: Both sporadic and heritable forms are tested..

Submissions (2):

Ambry Genetics
Classification: Likely benign for Hereditary cancer-predisposing syndrome. Last evaluated: 2026-05-18. Review status: criteria provided, single submitter. Criteria: Ambry Variant Classification Scheme 2023. Collection method: clinical testing. Allele origin: germline.

Labcorp Genetics (formerly Invitae), Labcorp
Classification: Uncertain significance for Retinoblastoma. Last evaluated: 2024-03-01. Review status: criteria provided, single submitter. Criteria: Invitae Variant Classification Sherloc (09022015). Collection method: clinical testing. Allele origin: germline.
Comment: This sequence change replaces leucine, which is neutral and non-polar, with valine, which is neutral and non-polar, at codon 642 of the RB1 protein (p.Leu642Val). This variant is not present in population databases (gnomAD no frequency). This variant has not been reported in the literature in individuals affected with RB1-related conditions. ClinVar contains an entry for this variant (Variation ID: 847975). Advanced modeling of protein sequence and biophysical properties (such as structural, functional, and spatial information, amino acid conservation, physicochemical variation, residue mobility, and thermodynamic stability) performed at Invitae indicates that this missense variant is not expected to disrupt RB1 protein function with a negative predictive value of 80%. In summary, the available evidence is currently insufficient to determine the role of this variant in disease. Therefore, it has been classified as a Variant of Uncertain Significance.